The following is an entry in ClinVar:

ClinVar aggregate classification (germline): Pathogenic. Review status: criteria provided, multiple submitters, no conflicts (2 of 4 stars). 2 submissions from 2 submitters: Pathogenic (2). Last evaluated 2024-02-27.

Conditions:
Inborn genetic diseases. Identifiers: MedGen C0950123, MeSH D030342.

Submissions (2):

Ambry Genetics
Classification: Pathogenic for Inborn genetic diseases. Last evaluated: 2024-02-27. Review status: criteria provided, single submitter. Criteria: Ambry Variant Classification Scheme 2023. Collection method: clinical testing. Allele origin: germline.
Comment: The c.151+1G>A intronic variant results from a G to A substitution one nucleotide after coding exon 3 of the DDX3X gene. Alterations that disrupt the canonical splice site are expected to cause aberrant splicing, resulting in an abnormal protein or a transcript that is subject to nonsense-mediated mRNA decay. This variant was not reported in population-based cohorts in the Genome Aggregation Database (gnomAD). This alteration was reported de novo in one individual with features consistent with DDX3X-related neurodevelopmental disorder (external communication 2024). Another alteration impacting the same donor site (c.151+1G>T) has been reported de novo in one individual from a cohort of individuals with intellectual disability (Lennox, 2020). This nucleotide position is highly conserved in available vertebrate species. In silico splice site analysis predicts that this alteration will weaken the native splice donor site. Based on the available evidence, this alteration is classified as pathogenic.

GeneDx
Classification: Pathogenic. Last evaluated: 2022-04-13. Review status: criteria provided, single submitter. Criteria: GeneDx Variant Classification Process June 2021. Collection method: clinical testing. Allele origin: germline. Affected: yes.
Comment: Canonical splice site variant expected to result in aberrant splicing, although in the absence of functional evidence the actual effect of this sequence change is unknown.; Not observed in large population cohorts (gnomAD); Has not been previously published as pathogenic or benign to our knowledge

Literature cited by the submitters: PubMed 32135084 (cited by Ambry Genetics).

NM_001356.5(DDX3X):c.151+1G>A

Gene: DDX3X (DEAD-box helicase 3 X-linked; plus strand). Cytogenetic location: Xp11.4.
Variant type: single nucleotide variant.
Coding change: c.151+1G>A on transcript NM_001356.5 (MANE Select); the canonical splice donor site of the intron after coding-DNA position 151, G replaced by A.
Molecular consequence: splice donor variant. On other transcripts: intron variant (1).
Genome position (GRCh38, 1-based): chrX:41,339,084, G>A. VCF-style: chrX-41339084-G-A. GRCh37 (hg19) VCF-style: chrX-41198337-G-A.
Other names: c.151+1G>A (NM_001193416.3, NM_001356.3); c.103+1619G>A (NM_001193417.3); c.-408+1G>A (NM_001363819.1).
Identifiers: ClinVar variation 1676940 (VCV001676940.3), dbSNP rs2147343930, ClinGen allele CA412763166.